The following is an entry in ClinVar:

NM_001374353.1(GLI2):c.1637C>T (p.Pro546Leu)

Gene: GLI2 (GLI family zinc finger 2; plus strand). Cytogenetic location: 2q14.2.
Variant type: single nucleotide variant.
Coding change: c.1637C>T on transcript NM_001374353.1 (MANE Select); coding-DNA position 1637, C replaced by T.
Protein change: p.Pro546Leu; replaces proline 546 with leucine.
Molecular consequence: missense variant.
Genome position (GRCh38, 1-based): chr2:120,984,475, C>T. VCF-style: chr2-120984475-C-T. GRCh37 (hg19) VCF-style: chr2-121742051-C-T.
Other names: c.1688C>T, p.Pro563Leu (NM_001371271.1, NM_005270.5); c.1262C>T, p.Pro421Leu (NM_001374354.1); short protein forms P421L, P546L, P563L.
Identifiers: ClinVar variation 3252772 (VCV003252772.1), dbSNP rs771789679.

ClinVar aggregate classification (germline): Uncertain significance (1 of 4 stars; one submission).

Allele frequency attached by ClinVar (database versions not stated): gnomAD exomes below 0.00001; ExAC 0.00001.
gnomAD v4.1: 1 of 1,614,178 alleles (0.000062%); highest among the groups gnomAD compares: South Asian, 0.0011%; no homozygotes.

Submission:

GeneDx
Classification: Uncertain significance. Last evaluated: 2023-10-04. Review status: criteria provided, single submitter. Criteria: GeneDx Variant Classification Process June 2021. Collection method: clinical testing. Allele origin: germline. Affected: yes.
Comment: Not observed at significant frequency in large population cohorts (gnomAD); In silico analysis supports that this missense variant has a deleterious effect on protein structure/function; Has not been previously published as pathogenic or benign to our knowledge